The following is an entry in ClinVar:

ClinVar aggregate classification (germline): Benign/Likely benign. Review status: criteria provided, multiple submitters, no conflicts (2 of 4 stars). 29 submissions from 22 submitters: Benign (23); Likely benign (1). 5 of the submissions do not count toward it. Last evaluated 2026-02-04.

Conditions:
Cardiovascular phenotype. Identifiers: MedGen CN230736.
Autosomal recessive limb-girdle muscular dystrophy type 2J (LGMDR10). Also called: Limb-girdle muscular dystrophy, type 2J; MUSCULAR DYSTROPHY, LIMB-GIRDLE, AUTOSOMAL RECESSIVE 10. Identifiers: Orphanet 140922, MedGen C1837342, MONDO:0012127, OMIM 608807.
Dilated cardiomyopathy 1G (CMD1G). Identifiers: Orphanet 154, MedGen C1858763, MONDO:0011400, OMIM 604145.
Cardiomyopathy (CMYO). Also called: Cardiomyopathies. Identifiers: Orphanet 167848, MedGen C0878544, MONDO:0004994, HP:0001638. Inheritance: Various modes of inheritance.
Early-onset myopathy with fatal cardiomyopathy (CMYO5). Also called: Salih Myopathy; CONGENITAL MYOPATHY 5 WITH CARDIOMYOPATHY. Identifiers: Orphanet 289377, MedGen C2673677, MONDO:0012714, OMIM 611705. Disease mechanism: loss of function.
Myopathy, myofibrillar, 9, with early respiratory failure (MFM9). Also called: Hereditary myopathy with early respiratory failure; EDSTROM MYOPATHY; MYOPATHY, PROXIMAL, WITH EARLY RESPIRATORY MUSCLE INVOLVEMENT; Myopathy, distal, with early respiratory failure, autosomal dominant. Identifiers: Orphanet 178464, Orphanet 34521, MedGen C1863599, MONDO:0011362, OMIM 603689.
Tibial muscular dystrophy (TMD). Also called: UDD MYOPATHY; Udd Distal Myopathy – Tibial Muscular Dystrophy; Tibial muscular dystrophy, tardive. Identifiers: Orphanet 609, MedGen C1838244, MONDO:0010870, OMIM 600334.

Allele frequency attached by ClinVar (database versions not stated): 1000 Genomes Project 30x 0.99438; 1000 Genomes Project 0.99461; TOPMed 0.99522; ESP Exome Variant Server 0.99562; gnomAD 0.99572 and 0.99596; ExAC 0.99862; gnomAD exomes 0.99872 and 0.99944.
gnomAD v4.1: 1,611,898 of 1,613,358 alleles (100%); highest among the groups gnomAD compares: South Asian, 100%; 805,230 homozygotes.

Submissions (29):

Labcorp Genetics (formerly Invitae), Labcorp
Classification: Benign for Dilated cardiomyopathy 1G; Autosomal recessive limb-girdle muscular dystrophy type 2J. Last evaluated: 2026-02-04. Review status: criteria provided, single submitter. Criteria: Invitae Variant Classification Sherloc (09022015). Collection method: clinical testing. Allele origin: germline.

Molecular Diagnostic Laboratory for Inherited Cardiovascular Disease, Montreal Heart Institute
Classification: Benign. Last evaluated: 2025-04-09. Review status: criteria provided, single submitter. Criteria: ACMG Guidelines, 2015. Collection method: clinical testing. Allele origin: germline. Affected: no.

Blueprint Genetics
Classification: Benign. Last evaluated: 2024-11-26. Review status: criteria provided, single submitter. Criteria: ACMG Guidelines, 2015. Collection method: clinical testing. Allele origin: germline.

Mayo Clinic Laboratories, Mayo Clinic
Classification: Likely benign. Last evaluated: 2022-05-12. Review status: criteria provided, single submitter. Criteria: ACMG Guidelines, 2015. Collection method: clinical testing. Allele origin: germline. Observed: 2,439 variant alleles.

Genome-Nilou Lab
Classification: Benign for Autosomal recessive limb-girdle muscular dystrophy type 2J. Last evaluated: 2021-09-10. Review status: criteria provided, single submitter. Criteria: ACMG Guidelines, 2015. Collection method: clinical testing. Allele origin: germline. Affected: no.

Genome-Nilou Lab
Classification: Benign for Myopathy, myofibrillar, 9, with early respiratory failure. Last evaluated: 2021-09-10. Review status: criteria provided, single submitter. Criteria: ACMG Guidelines, 2015. Collection method: clinical testing. Allele origin: germline. Affected: no.

Genome-Nilou Lab
Classification: Benign for Early-onset myopathy with fatal cardiomyopathy. Last evaluated: 2021-09-10. Review status: criteria provided, single submitter. Criteria: ACMG Guidelines, 2015. Collection method: clinical testing. Allele origin: germline. Affected: no.

Genome-Nilou Lab
Classification: Benign for Tibial muscular dystrophy. Last evaluated: 2021-09-10. Review status: criteria provided, single submitter. Criteria: ACMG Guidelines, 2015. Collection method: clinical testing. Allele origin: germline. Affected: no.

Women's Health and Genetics/Laboratory Corporation of America, LabCorp
Classification: Benign. Last evaluated: 2019-08-09. Review status: criteria provided, single submitter. Criteria: LabCorp Variant Classification Summary - May 2015. Collection method: clinical testing. Allele origin: germline.

Athena Diagnostics
Classification: Benign. Last evaluated: 2019-01-28. Review status: criteria provided, single submitter. Criteria: Athena Diagnostics Criteria. Collection method: clinical testing. Allele origin: germline.

Illumina Laboratory Services, Illumina
Classification: Benign for Myopathy, myofibrillar, 9, with early respiratory failure. Last evaluated: 2018-01-12. Review status: criteria provided, single submitter. Criteria: ICSL Variant Classification Criteria 13 December 2019. Collection method: clinical testing. Allele origin: germline.
Comment: This variant was observed in the ICSL laboratory as part of a predisposition screen in an ostensibly healthy population. It had not been previously curated by ICSL or reported in the Human Gene Mutation Database (HGMD: prior to June 1st, 2018), and was therefore a candidate for classification through an automated scoring system. Utilizing variant allele frequency, disease prevalence and penetrance estimates, and inheritance mode, an automated score was calculated to assess if this variant is too frequent to cause the disease. Based on the score and internal cut-off values, a variant classified as benign is not then subjected to further curation. The score for this variant resulted in a classification of benign for this disease.

Illumina Laboratory Services, Illumina
Classification: Benign for Tibial muscular dystrophy. Last evaluated: 2018-01-12. Review status: criteria provided, single submitter. Criteria: ICSL Variant Classification Criteria 13 December 2019. Collection method: clinical testing. Allele origin: germline.
Comment: the same text as in the submission from Illumina Laboratory Services, Illumina above.

Illumina Laboratory Services, Illumina
Classification: Benign for Autosomal recessive limb-girdle muscular dystrophy type 2J. Last evaluated: 2018-01-12. Review status: criteria provided, single submitter. Criteria: ICSL Variant Classification Criteria 13 December 2019. Collection method: clinical testing. Allele origin: germline.
Comment: the same text as in the submission from Illumina Laboratory Services, Illumina above.

Illumina Laboratory Services, Illumina
Classification: Benign for Early-onset myopathy with fatal cardiomyopathy. Last evaluated: 2018-01-12. Review status: criteria provided, single submitter. Criteria: ICSL Variant Classification Criteria 13 December 2019. Collection method: clinical testing. Allele origin: germline.
Comment: the same text as in the submission from Illumina Laboratory Services, Illumina above.

Illumina Laboratory Services, Illumina
Classification: Benign for Dilated cardiomyopathy 1G. Last evaluated: 2018-01-12. Review status: criteria provided, single submitter. Criteria: ICSL Variant Classification Criteria 13 December 2019. Collection method: clinical testing. Allele origin: germline.
Comment: the same text as in the submission from Illumina Laboratory Services, Illumina above.

CHEO Genetics Diagnostic Laboratory, Children's Hospital of Eastern Ontario
Classification: Benign for Cardiomyopathy. Last evaluated: 2015-09-28. Review status: criteria provided, single submitter. Criteria: ACMG Guidelines, 2015. Collection method: clinical testing. Allele origin: germline. Study: Canadian Open Genetics Repository.

Eurofins Ntd Llc (ga)
Classification: Benign. Last evaluated: 2014-12-05. Review status: criteria provided, single submitter. Criteria: EGL Classification Definitions 2015. Collection method: clinical testing. Allele origin: germline. Observed: 1 variant allele, 1 homozygote.

Genetic Services Laboratory, University of Chicago
Classification: Benign for AllHighlyPenetrant. Last evaluated: 2013-08-15. Review status: criteria provided, single submitter. Criteria: ACMG Guidelines, 2007. Collection method: clinical testing. Allele origin: germline.

Biesecker Lab/Clinical Genomics Section, National Institutes of Health
Classification: Benign. Last evaluated: 2013-06-24. Review status: criteria provided, single submitter. Criteria: Ng et al. (Circ Cardiovasc Genet. 2013). Collection method: research. Allele origin: unknown. Observed: 679 variant alleles. Study: ClinSeq.
Comment: The study set was not selected for affection status in relation to any cancer. Pathogenicity categories were based on literature curation. See Pubmed ID:23861362 for details.

Medical sequencing

GeneDx
Classification: Benign. Last evaluated: 2013-01-31. Review status: criteria provided, single submitter. Criteria: GeneDx Variant Classification (06012015). Collection method: clinical testing. Allele origin: germline. Affected: yes.
Comment: This variant is considered likely benign or benign based on one or more of the following criteria: it is a conservative change, it occurs at a poorly conserved position in the protein, it is predicted to be benign by multiple in silico algorithms, and/or has population frequency not consistent with disease.

Ambry Genetics
Classification: Benign for Cardiovascular phenotype. Last evaluated: 2012-08-09. Review status: criteria provided, single submitter. Criteria: Ambry Autosomal Dominant and X-Linked criteria (10/2015). Collection method: clinical testing. Allele origin: germline. Observed: 1 variant allele.

Laboratory for Molecular Medicine, Mass General Brigham Personalized Medicine
Classification: Benign. Last evaluated: 2011-09-16. Review status: criteria provided, single submitter. Criteria: LMM Criteria. Collection method: clinical testing. Allele origin: germline. Observed: 1,961 variant alleles.
Comment: Ala19848Pro in Exon 267 of TTN: This variant is not expected to have clinical si gnificance because it has been reported in dbSNP with a MAF >3% (rs4145333).

Breakthrough Genomics
Classification: Benign. Review status: criteria provided, single submitter. Criteria: ACMG Guidelines, 2015. Collection method: not provided. Allele origin: germline. Inheritance: Autosomal recessive inheritance. Affected: yes.

PreventionGenetics, part of Exact Sciences
Classification: Benign. Review status: criteria provided, single submitter. Criteria: ACMG Guidelines, 2015. Collection method: clinical testing. Allele origin: germline.

Clinical Genetics DNA and cytogenetics Diagnostics Lab, Erasmus MC, Erasmus Medical Center
Classification: Benign. Review status: no assertion criteria provided. Collection method: clinical testing. Allele origin: germline. Affected: yes. Study: VKGL Data-share Consensus. Not counted in ClinVar's aggregate classification.

Clinical Genetics, Academic Medical Center
Classification: Benign. Review status: no assertion criteria provided. Collection method: clinical testing. Allele origin: germline. Affected: yes. Study: VKGL Data-share Consensus. Not counted in ClinVar's aggregate classification.

Diagnostic Laboratory, Department of Genetics, University Medical Center Groningen
Classification: Benign. Review status: no assertion criteria provided. Collection method: clinical testing. Allele origin: germline. Affected: yes. Study: VKGL Data-share Consensus. Not counted in ClinVar's aggregate classification.

Genome Diagnostics Laboratory, University Medical Center Utrecht
Classification: Benign. Review status: no assertion criteria provided. Collection method: clinical testing. Allele origin: germline. Affected: yes. Study: VKGL Data-share Consensus. Not counted in ClinVar's aggregate classification.

Joint Genome Diagnostic Labs from Nijmegen and Maastricht, Radboudumc and MUMC+
Classification: Benign. Review status: no assertion criteria provided. Collection method: clinical testing. Allele origin: germline. Affected: yes. Study: VKGL Data-share Consensus. Not counted in ClinVar's aggregate classification.

Literature cited by the submitters: PubMed 25498755 (cited by Athena Diagnostics); PubMed 24315344 (cited by Athena Diagnostics).

NM_001267550.2(TTN):c.67246G>C (p.Ala22416Pro)

Genes: TTN (titin; minus strand), TTN-AS1 (TTN antisense RNA 1; plus strand). Cytogenetic location: 2q31.2.
Variant type: single nucleotide variant.
Coding change: c.67246G>C on transcript NM_001267550.2 (MANE Select); coding-DNA position 67246, G replaced by C.
Protein change: p.Ala22416Pro; replaces alanine 22416 with proline.
Molecular consequence: missense variant.
Genome position (GRCh38, 1-based): chr2:178,580,041, C>G on the plus strand (G>C on the coding strand, the complement: TTN is on the minus strand). VCF-style: chr2-178580041-C-G. GRCh37 (hg19) VCF-style: chr2-179444768-C-G.
Other names: p.A19848P:GCT>CCT; c.62323G>C, p.Ala20775Pro (NM_001256850.1); c.59542G>C, p.Ala19848Pro (NM_133378.4); c.40051G>C, p.Ala13351Pro (NM_003319.4); c.40426G>C, p.Ala13476Pro (NM_133432.3); c.40627G>C, p.Ala13543Pro (NM_133437.4); short protein forms A22416P, A19848P, A20775P, A13476P, A13351P, A13543P.
Identifiers: ClinVar variation 47250 (VCV000047250.43), dbSNP rs4145333, ClinGen allele CA283646.